The following is an entry in ClinVar:

NM_014319.5(LEMD3):c.54C>G (p.Phe18Leu)

Gene: LEMD3 (LEM domain containing 3; plus strand). Cytogenetic location: 12q14.3.
Variant type: single nucleotide variant.
Coding change: c.54C>G on transcript NM_014319.5 (MANE Select); coding-DNA position 54, C replaced by G.
Protein change: p.Phe18Leu; replaces phenylalanine 18 with leucine.
Molecular consequence: missense variant.
Genome position (GRCh38, 1-based): chr12:65,169,650, C>G. VCF-style: chr12-65169650-C-G. GRCh37 (hg19) VCF-style: chr12-65563430-C-G.
Other names: c.54C>G, p.Phe18Leu (NM_001167614.2); short protein forms F18L.
Identifiers: ClinVar variation 2905996 (VCV002905996.3), dbSNP rs377077013, ClinGen allele CA6670660.

ClinVar aggregate classification (germline): Uncertain significance (1 of 4 stars; one submission).

Allele frequency attached by ClinVar (database versions not stated): gnomAD exomes below 0.00001; TOPMed below 0.00001; ExAC 0.00003; ESP Exome Variant Server 0.00008.
gnomAD v4.1: 2 of 1,586,088 alleles (0.00013%); highest among the groups gnomAD compares: Non-Finnish European, 0.00017%; no homozygotes.

Submission:

Labcorp Genetics (formerly Invitae), Labcorp
Classification: Uncertain significance. Last evaluated: 2022-11-01. Review status: criteria provided, single submitter. Criteria: Invitae Variant Classification Sherloc (09022015). Collection method: clinical testing. Allele origin: germline.
Comment: In summary, the available evidence is currently insufficient to determine the role of this variant in disease. Therefore, it has been classified as a Variant of Uncertain Significance. Advanced modeling of protein sequence and biophysical properties (such as structural, functional, and spatial information, amino acid conservation, physicochemical variation, residue mobility, and thermodynamic stability) performed at Invitae indicates that this missense variant is not expected to disrupt LEMD3 protein function. This variant has not been reported in the literature in individuals affected with LEMD3-related conditions. The frequency data for this variant in the population databases is considered unreliable, as metrics indicate poor data quality at this position in the gnomAD database. This sequence change replaces phenylalanine, which is neutral and non-polar, with leucine, which is neutral and non-polar, at codon 18 of the LEMD3 protein (p.Phe18Leu).